The following is an entry in ClinVar:

NM_001458.5(FLNC):c.7939C>T (p.Gln2647Ter)

Genes: FLNC-AS1 (FLNC antisense RNA 1; minus strand), FLNC (filamin C; plus strand). Cytogenetic location: 7q32.1.
Variant type: single nucleotide variant.
Coding change: c.7939C>T on transcript NM_001458.5 (MANE Select); coding-DNA position 7939, C replaced by T.
Protein change: p.Gln2647Ter; replaces glutamine 2647 with a stop codon.
Molecular consequence: nonsense.
Genome position (GRCh38, 1-based): chr7:128,858,166, C>T. VCF-style: chr7-128858166-C-T. GRCh37 (hg19) VCF-style: chr7-128498220-C-T.
Other names: c.7840C>T, p.Gln2614Ter (NM_001127487.2); short protein forms Q2614*, Q2647*.
Identifiers: ClinVar variation 3756207 (VCV003756207.2).

ClinVar aggregate classification (germline): Pathogenic (1 of 4 stars; one submission).

Conditions:
Distal myopathy with posterior leg and anterior hand involvement. Also called: WILLIAMS DISTAL MYOPATHY. Identifiers: Orphanet 63273, MedGen C3279722, MONDO:0013550, OMIM 614065.
Hypertrophic cardiomyopathy 26. Also called: Cardiomyopathy, familial hypertrophic, 26. Identifiers: Orphanet 75249, MedGen C4310749, MONDO:0014883, OMIM 617047.
Myofibrillar myopathy 5. Also called: Filaminopathy (type); FILAMINOPATHY, AUTOSOMAL DOMINANT. Identifiers: Orphanet 171445, MedGen C1836050, MONDO:0012289, OMIM 609524.

Submission:

Labcorp Genetics (formerly Invitae), Labcorp
Classification: Pathogenic for Distal myopathy with posterior leg and anterior hand involvement; Myofibrillar myopathy 5; Hypertrophic cardiomyopathy 26. Last evaluated: 2024-05-12. Review status: criteria provided, single submitter. Criteria: Invitae Variant Classification Sherloc (09022015). Collection method: clinical testing. Allele origin: germline.
Comment: This sequence change creates a premature translational stop signal (p.Gln2647*) in the FLNC gene. It is expected to result in an absent or disrupted protein product. Loss-of-function variants in FLNC are known to be pathogenic (PMID: 27908349). This variant is not present in population databases (gnomAD no frequency). This variant has not been reported in the literature in individuals affected with FLNC-related conditions. For these reasons, this variant has been classified as Pathogenic.

Literature cited by the submitters: PubMed 27908349.